The following is an entry in ClinVar:

ClinVar aggregate classification (germline): Uncertain significance (1 of 4 stars; one submission).

Allele frequency attached by ClinVar (database versions not stated): TOPMed below 0.00001; ExAC 0.00002.
gnomAD v4.1: 4 of 1,591,730 alleles (0.00025%); highest among the groups gnomAD compares: East Asian, 0.0068%; no homozygotes.

Submission:

Labcorp Genetics (formerly Invitae), Labcorp
Classification: Uncertain significance. Last evaluated: 2025-03-07. Review status: criteria provided, single submitter. Criteria: Invitae Variant Classification Sherloc (09022015). Collection method: clinical testing. Allele origin: germline.
Comment: This sequence change replaces valine, which is neutral and non-polar, with leucine, which is neutral and non-polar, at codon 2164 of the OTOGL protein (p.Val2164Leu). This variant is present in population databases (rs775970766, gnomAD 0.01%). This variant has not been reported in the literature in individuals affected with OTOGL-related conditions. ClinVar contains an entry for this variant (Variation ID: 1913124). An algorithm developed to predict the effect of missense changes on protein structure and function outputs the following: PolyPhen-2: "Benign". The leucine amino acid residue is found in multiple mammalian species, which suggests that this missense change does not adversely affect protein function. In summary, the available evidence is currently insufficient to determine the role of this variant in disease. Therefore, it has been classified as a Variant of Uncertain Significance.

NM_001378609.3(OTOGL):c.6517G>T (p.Val2173Leu)

Gene: OTOGL (otogelin like; plus strand). Cytogenetic location: 12q21.31.
Variant type: single nucleotide variant.
Coding change: c.6517G>T on transcript NM_001378609.3 (MANE Select); coding-DNA position 6517, G replaced by T.
Protein change: p.Val2173Leu; replaces valine 2173 with leucine.
Molecular consequence: missense variant.
Genome position (GRCh38, 1-based): chr12:80,368,211, G>T. VCF-style: chr12-80368211-G-T. GRCh37 (hg19) VCF-style: chr12-80761991-G-T.
Other names: c.6382G>T, p.Val2128Leu (NM_001368062.3); c.6517G>T, p.Val2173Leu (NM_001378610.3, NM_173591.7); short protein forms V2173L, V2128L.
Identifiers: ClinVar variation 1913124 (VCV001913124.4), dbSNP rs775970766, ClinGen allele CA6702071.